The following is an entry in ClinVar:

ClinVar aggregate classification (germline): Uncertain significance (1 of 4 stars; one submission).

Conditions:
MIR17HG-related disorder. Also called: MIR17HG-related condition.

Submission:

PreventionGenetics, part of Exact Sciences
Classification: Uncertain significance for MIR17HG-related condition. Last evaluated: 2024-10-10. Review status: criteria provided, single submitter. Criteria: ACMG Guidelines, 2015. Collection method: clinical testing. Allele origin: germline.
Comment: The MIR17HG n.316_319delTTTC variant is predicted to result in an in-frame deletion (Non-Coding). To our knowledge, this variant has not been reported in the literature. This variant is reported in 0.0065% of alleles in individuals of European (Non-Finnish) descent in gnomAD. At this time, the clinical significance of this variant is uncertain due to the absence of conclusive functional and genetic evidence.

NR_027350.2(MIR17HG):n.452CTTT[1]

Gene: MIR17HG (miR-17-92a-1 cluster host gene; plus strand). Cytogenetic location: 13q31.3.
Variant type: Microsatellite.
Molecular consequence: non-coding transcript variant (on NR_027350.2).
Genome position: GRCh38 VCF-style: chr13-91349872-GTTTC-G. GRCh37 (hg19) VCF-style: chr13-92002126-GTTTC-G.
Identifiers: ClinVar variation 4988115 (VCV004988115.1).